The following is an entry in ClinVar:

NM_007294.4(BRCA1):c.5556C>T (p.Thr1852=)

Gene: BRCA1 (BRCA1 DNA repair associated; minus strand). Cytogenetic location: 17q21.31.
Variant type: single nucleotide variant.
Coding change: c.5556C>T on transcript NM_007294.4 (MANE Select); coding-DNA position 5556, C replaced by T.
Protein change: p.Thr1852=; no amino-acid change (threonine 1852 retained).
Molecular consequence: synonymous variant. On other transcripts: 3 prime UTR variant (17).
Genome position (GRCh38, 1-based): chr17:43,045,714, G>A on the plus strand (C>T on the coding strand, the complement: BRCA1 is on the minus strand). VCF-style: chr17-43045714-G-A. GRCh37 (hg19) VCF-style: chr17-41197731-G-A.
Other names: c.5343C>T, p.Thr1781= (NM_001407571.1, NM_001407894.1, NM_001407895.1 and 12 more transcripts); c.5622C>T, p.Thr1874= (NM_001407581.1, NM_001407582.1); c.5619C>T, p.Thr1873= (NM_001407583.1, NM_001407585.1, NM_001407587.1 and 1 more transcripts); c.5616C>T, p.Thr1872= (NM_001407590.1, NM_001407591.1); c.5556C>T, p.Thr1852= (NM_001407593.1, NM_001407594.1, NM_001407596.1 and 5 more transcripts); c.5553C>T, p.Thr1851= (NM_001407610.1, NM_001407611.1, NM_001407612.1 and 14 more transcripts); c.5550C>T, p.Thr1850= (NM_001407627.1, NM_001407628.1, NM_001407629.1 and 13 more transcripts); c.5547C>T, p.Thr1849= (NM_001407644.1, NM_001407645.1); and 74 more.
Identifiers: ClinVar variation 865013 (VCV000865013.12), dbSNP rs80356841, ClinGen allele CA500142883.
Genomic context (GRCh38, chr17:43,045,714, plus strand): 5'-CTCTGTACCTGTGGCTGGCTGCAGTCAGTAGTGGCTGTGGGGGATCTGGGGTATCAGGTA[G>A]GTGTCCAGCTCCTGGCACTGGTAGAGTGCTACACTGTCCAACACCCACTCTCGGGTCACC-3'
Protein context (NP_009225.1, residues 1842-1862): VALYQCQELD[Thr1852=]YLIPQIPHSH

ClinVar aggregate classification (germline): Likely benign. Review status: criteria provided, multiple submitters, no conflicts (2 of 4 stars). 2 submissions from 2 submitters: Likely benign (2). Last evaluated 2023-08-15.

Conditions:
Hereditary breast ovarian cancer syndrome. Also called: Hereditary breast and/or ovarian cancer syndrome; BRCA1- and BRCA2-Associated Hereditary Breast and Ovarian Cancer; Hereditary breast and ovarian cancer syndrome; Hereditary breast and ovarian cancer; Hereditary breast and ovarian cancer syndrome (HBOC); Breast and ovarian cancer. Identifiers: Orphanet 145, MedGen C0677776, MeSH D061325, MONDO:0003582. Disease mechanism: loss of function.
Breast-ovarian cancer, familial, susceptibility to, 1 (BROVCA1). Also called: BRCA1 Hereditary Breast and Ovarian Cancer; OVARIAN CANCER, SUSCEPTIBILITY TO. Identifiers: Orphanet 145, MedGen C2676676, MONDO:0011450, OMIM 604370. Disease mechanism: loss of function.

Submissions (3):

All of Us Research Program, National Institutes of Health
Classification: Likely benign for Breast-ovarian cancer, familial, susceptibility to, 1. Last evaluated: 2023-08-15. Review status: criteria provided, single submitter. Criteria: ACMG Guidelines, 2015. Collection method: clinical testing. Allele origin: germline. Inheritance: Autosomal dominant inheritance. Observed: 1 variant allele, 1 heterozygote.
Comment: This study involves interpretation of variants in research participants for the purpose of population health screening. Participant phenotype was not available at the time of variant classification. Additional details can be found in publication PMID: 35346344, PMCID: PMC8962531

Labcorp Genetics (formerly Invitae), Labcorp
Classification: Likely benign for Hereditary breast ovarian cancer syndrome. Last evaluated: 2021-04-15. Review status: criteria provided, single submitter. Criteria: Invitae Variant Classification Sherloc (09022015). Collection method: clinical testing. Allele origin: germline.

Brotman Baty Institute, University of Washington
No classification provided (evidence only). Condition: Breast-ovarian cancer, familial 1. Review status: no classification provided. Collection method: in vitro. Allele origin: not applicable. Functional consequence: functionally_normal. Not counted in ClinVar's aggregate classification.
ClinVar note: "not provided" was previously submitted as the classification for the variant. However, the classification appeared to be based only on an observation of functional data so it was converted to no classification on 2025-07-30.